The following is an entry in ClinVar:

NM_016592.5(GNAS):c.621G>A (p.Ser207=)

Genes: GNAS (GNAS complex locus; plus strand), GNAS-AS1 (GNAS antisense RNA 1; minus strand). Cytogenetic location: 20q13.32.
Variant type: single nucleotide variant.
Coding change: c.621G>A on transcript NM_016592.5 (MANE Plus Clinical); coding-DNA position 621, G replaced by A.
Protein change: p.Ser207=; no amino-acid change (serine 207 retained).
Molecular consequence: synonymous variant. On other transcripts: 5 prime UTR variant (1).
Genome position (GRCh38, 1-based): chr20:58,840,727, G>A. VCF-style: chr20-58840727-G-A. GRCh37 (hg19) VCF-style: chr20-57415782-G-A.
Other names: c.-117G>A (NM_001410912.1).
Identifiers: ClinVar variation 3029386 (VCV003029386.2), dbSNP rs1428938511, ClinGen allele CA511316052.

ClinVar aggregate classification (germline): Likely benign (0 of 4 stars; one submission).

Conditions:
GNAS-related disorder. Identifiers: MedGen CN380105.

Allele frequency attached by ClinVar (database versions not stated): gnomAD exomes 0.00001; gnomAD 0.00001; TOPMed 0.00001.
gnomAD v4.1: 6 of 1,604,250 alleles (0.00037%); highest among the groups gnomAD compares: African/African-American, 0.0013%; no homozygotes.

Submission:

PreventionGenetics, part of Exact Sciences
Classification: Likely benign for GNAS-related condition. Last evaluated: 2024-02-05. Review status: no assertion criteria provided. Collection method: clinical testing. Allele origin: germline.
Comment: This variant is classified as likely benign based on ACMG/AMP sequence variant interpretation guidelines (Richards et al. 2015 PMID: 25741868, with internal and published modifications).